The following is an entry in ClinVar:

NM_004260.4(RECQL4):c.3248C>A (p.Pro1083His)

Gene: RECQL4 (RecQ like helicase 4; minus strand). Cytogenetic location: 8q24.3.
Variant type: single nucleotide variant.
Coding change: c.3248C>A on transcript NM_004260.4 (MANE Select); coding-DNA position 3248, C replaced by A.
Protein change: p.Pro1083His; replaces proline 1083 with histidine.
Molecular consequence: missense variant. On other transcripts: non-coding transcript variant (3).
Genome position (GRCh38, 1-based): chr8:144,512,056, G>T on the plus strand (C>A on the coding strand, the complement: RECQL4 is on the minus strand). VCF-style: chr8-144512056-G-T. GRCh37 (hg19) VCF-style: chr8-145737439-G-T.
Other names: c.3218C>A, p.Pro1073His (NM_001413039.1); c.2177C>A, p.Pro726His (NM_001413040.1, NM_001413021.1, NM_001413022.1 and 4 more transcripts); c.2186C>A, p.Pro729His (NM_001413041.1); c.2147C>A, p.Pro716His (NM_001413042.1); c.1781C>A, p.Pro594His (NM_001413043.1); c.2954C>A, p.Pro985His (NM_001413017.1); c.3050C>A, p.Pro1017His (NM_001413018.1); c.3323C>A, p.Pro1108His (NM_001413019.1); and 9 more; short protein forms P1108H, P594H, P716H, P985H, P1051H, P1073H, P726H, P751H.
Identifiers: ClinVar variation 4628934 (VCV004628934.1).

ClinVar aggregate classification (germline): Uncertain significance (1 of 4 stars; one submission).

Conditions:
Inborn genetic diseases. Identifiers: MedGen C0950123, MeSH D030342.

Submission:

Ambry Genetics
Classification: Uncertain significance for Inborn genetic diseases. Last evaluated: 2025-09-28. Review status: criteria provided, single submitter. Criteria: Ambry Variant Classification Scheme 2023. Collection method: clinical testing. Allele origin: germline.
Comment: The p.P1083H variant (also known as c.3248C>A), located in coding exon 19 of the RECQL4 gene, results from a C to A substitution at nucleotide position 3248. The proline at codon 1083 is replaced by histidine, an amino acid with similar properties. This amino acid position is conserved. In addition, the in silico prediction for this alteration is inconclusive. Based on the available evidence, the clinical significance of this variant remains unclear.